The following is an entry in ClinVar:

ClinVar aggregate classification (germline): Uncertain significance (1 of 4 stars; one submission).

Conditions:
Inborn genetic diseases. Identifiers: MedGen C0950123, MeSH D030342.

gnomAD v4.1: 7 of 1,567,272 alleles (0.00045%); highest among the groups gnomAD compares: Non-Finnish European, 0.00061%; no homozygotes.

Submission:

Ambry Genetics
Classification: Uncertain significance for Inborn genetic diseases. Last evaluated: 2024-11-17. Review status: criteria provided, single submitter. Criteria: Ambry Variant Classification Scheme 2023. Collection method: clinical testing. Allele origin: germline.
Comment: The p.Y370C variant (also known as c.1109A>G), located in coding exon 10 of the PAX5 gene, results from an A to G substitution at nucleotide position 1109. The tyrosine at codon 370 is replaced by cysteine, an amino acid with highly dissimilar properties. This amino acid position is conserved. In addition, this alteration is predicted to be deleterious by in silico analysis. Based on the available evidence, the clinical significance of this variant remains unclear.

NM_016734.3(PAX5):c.1109A>G (p.Tyr370Cys)

Gene: PAX5 (paired box 5; minus strand). Cytogenetic location: 9p13.2.
Variant type: single nucleotide variant.
Coding change: c.1109A>G on transcript NM_016734.3 (MANE Select); coding-DNA position 1109, A replaced by G.
Protein change: p.Tyr370Cys; replaces tyrosine 370 with cysteine.
Molecular consequence: missense variant. On other transcripts: non-coding transcript variant (2).
Genome position (GRCh38, 1-based): chr9:36,840,627, T>C on the plus strand (A>G on the coding strand, the complement: PAX5 is on the minus strand). VCF-style: chr9-36840627-T-C. GRCh37 (hg19) VCF-style: chr9-36840624-T-C.
Other names: c.1007A>G, p.Tyr336Cys (NM_001280547.2); c.1022A>G, p.Tyr341Cys (NM_001280548.2); c.877A>G, p.Thr293Ala (NM_001280549.2); c.790A>G, p.Thr264Ala (NM_001280550.2); c.596A>G, p.Tyr199Cys (NM_001280551.2); c.920A>G, p.Tyr307Cys (NM_001280552.2); c.893A>G, p.Tyr298Cys (NM_001280553.2); c.980A>G, p.Tyr327Cys (NM_001280554.2); and 2 more; short protein forms Y370C, T264A, Y307C, Y341C, Y199C, Y262C, Y298C, Y336C.
Identifiers: ClinVar variation 3414516 (VCV003414516.1).